The following is an entry in ClinVar:

NM_001365536.1(SCN9A):c.786T>G (p.Ile262Met)

Gene: SCN9A (sodium voltage-gated channel alpha subunit 9; minus strand). Cytogenetic location: 2q24.3.
Variant type: single nucleotide variant.
Coding change: c.786T>G on transcript NM_001365536.1 (MANE Select); coding-DNA position 786, T replaced by G.
Protein change: p.Ile262Met; replaces isoleucine 262 with methionine.
Molecular consequence: missense variant.
Genome position (GRCh38, 1-based): chr2:166,303,205, A>C on the plus strand (T>G on the coding strand, the complement: SCN9A is on the minus strand). VCF-style: chr2-166303205-A-C. GRCh37 (hg19) VCF-style: chr2-167159715-A-C.
Other names: c.786T>G, p.Ile262Met (NM_002977.4); short protein forms I262M.
Identifiers: ClinVar variation 1057246 (VCV001057246.9), dbSNP rs2106522346, ClinGen allele CA349092856.

ClinVar aggregate classification (germline): Uncertain significance (1 of 4 stars; one submission).

Conditions:
Generalized epilepsy with febrile seizures plus, type 7 (GEFSP7). Also called: GEFS+, TYPE 7. Identifiers: Orphanet 36387, MedGen C2751778, MONDO:0013470, OMIM 613863.
Neuropathy, hereditary sensory and autonomic, type 2A (HSAN2A). Also called: HSAN IIA; ACROOSTEOLYSIS, GIACCAI TYPE; ACROOSTEOLYSIS, NEUROGENIC; MORVAN DISEASE; NEUROPATHY, CONGENITAL SENSORY; NEUROPATHY, HEREDITARY SENSORY RADICULAR, AUTOSOMAL RECESSIVE. Identifiers: Orphanet 970, MedGen C2752089, MONDO:0024309, OMIM 201300.

Allele frequency attached by ClinVar (database versions not stated): gnomAD exomes below 0.00001.
gnomAD v4.1: 1 of 1,613,738 alleles (0.000062%); highest among the groups gnomAD compares: Non-Finnish European, 0.000085%; no homozygotes.

Submission:

Labcorp Genetics (formerly Invitae), Labcorp
Classification: Uncertain significance for Neuropathy, hereditary sensory and autonomic, type 2A; Generalized epilepsy with febrile seizures plus, type 7. Last evaluated: 2020-04-01. Review status: criteria provided, single submitter. Criteria: Invitae Variant Classification Sherloc (09022015). Collection method: clinical testing. Allele origin: germline.
Comment: In summary, the available evidence is currently insufficient to determine the role of this variant in disease. Therefore, it has been classified as a Variant of Uncertain Significance. Algorithms developed to predict the effect of missense changes on protein structure and function are either unavailable or do not agree on the potential impact of this missense change (SIFT: "Tolerated"; PolyPhen-2: "Probably Damaging"; Align-GVGD: "Class C0"). This variant has not been reported in the literature in individuals with SCN9A-related conditions. This variant is not present in population databases (ExAC no frequency). This sequence change replaces isoleucine with methionine at codon 262 of the SCN9A protein (p.Ile262Met). The isoleucine residue is highly conserved and there is a small physicochemical difference between isoleucine and methionine.